The following is an entry in ClinVar:

ClinVar aggregate classification (germline): Uncertain significance (1 of 4 stars; one submission).

Conditions:
Neurofibromatosis, type 2 (SWNV). Also called: BILATERAL ACOUSTIC NEUROFIBROMATOSIS; SCHWANNOMATOSIS, VESTIBULAR; NF2-Related Schwannomatosis. Identifiers: Orphanet 637, MedGen C0027832, MONDO:0007039, OMIM 101000. Disease mechanism: loss of function.

Submission:

Labcorp Genetics (formerly Invitae), Labcorp
Classification: Uncertain significance for Neurofibromatosis, type 2. Last evaluated: 2019-10-30. Review status: criteria provided, single submitter. Criteria: Invitae Variant Classification Sherloc (09022015). Collection method: clinical testing. Allele origin: germline.
Comment: Algorithms developed to predict the effect of missense changes on protein structure and function are either unavailable or do not agree on the potential impact of this missense change (SIFT: "Tolerated"; PolyPhen-2: "Possibly Damaging"; Align-GVGD: "Class C0"). In summary, the available evidence is currently insufficient to determine the role of this variant in disease. Therefore, it has been classified as a Variant of Uncertain Significance. This variant has not been reported in the literature in individuals with NF2-related conditions. This sequence change replaces aspartic acid with histidine at codon 494 of the NF2 protein (p.Asp494His). The aspartic acid residue is moderately conserved and there is a moderate physicochemical difference between aspartic acid and histidine. This variant is not present in population databases (ExAC no frequency).

NM_000268.4(NF2):c.1480G>C (p.Asp494His)

Gene: NF2 (NF2, moesin-ezrin-radixin like (MERLIN) tumor suppressor; plus strand). Cytogenetic location: 22q12.2.
Variant type: single nucleotide variant.
Coding change: c.1480G>C on transcript NM_000268.4 (MANE Select); coding-DNA position 1480, G replaced by C.
Protein change: p.Asp494His; replaces aspartic acid 494 with histidine.
Molecular consequence: missense variant. On other transcripts: non-coding transcript variant (1), intron variant (1).
Genome position (GRCh38, 1-based): chr22:29,678,229, G>C. VCF-style: chr22-29678229-G-C. GRCh37 (hg19) VCF-style: chr22-30074218-G-C.
Other names: c.1480G>C, p.Asp494His (NM_016418.5, NM_181825.3, NM_181832.3); c.1354G>C, p.Asp452His (NM_181828.3); c.1357G>C, p.Asp453His (NM_181829.3); c.1231G>C, p.Asp411His (NM_181830.3, NM_181831.3); c.448-16523G>C (NM_181833.3); short protein forms D452H, D411H, D494H, D453H.
Identifiers: ClinVar variation 972026 (VCV000972026.10), dbSNP rs2067024378, ClinGen allele CA411149603.
Genomic context (GRCh38, chr22:29,678,229, plus strand): 5'-TCCTAATCCGAAATTTCTCATTAACAGCCCATGAACCCAATTCCAGCACCGTTGCCTCCT[G>C]ACATACCAAGCTTCAACCTCATTGGTGACAGCCTGTCTTTCGACTTCAAAGATACTGACA-3'
Protein context (NP_000259.1, residues 484-504): MNPIPAPLPP[Asp494His]IPSFNLIGDS